The following is an entry in ClinVar:

ClinVar aggregate classification (germline): Uncertain significance. Review status: criteria provided, multiple submitters, no conflicts (2 of 4 stars). 3 submissions from 3 submitters: Uncertain significance (2). 1 of the submissions does not count toward it. Last evaluated 2024-03-19.

Conditions:
Retinal dystrophy. Also called: Inherited retinal dystrophy. Identifiers: Orphanet 71862, MedGen C0854723, MeSH D058499, MONDO:0019118, HP:0000556.

Allele frequency attached by ClinVar (database versions not stated): gnomAD 0.00001; gnomAD exomes 0.00001; ExAC 0.00002.
gnomAD v4.1: 10 of 1,613,680 alleles (0.00062%); highest among the groups gnomAD compares: South Asian, 0.0077%; no homozygotes.

Submissions (3):

Blueprint Genetics
Classification: Uncertain significance. Last evaluated: 2024-03-19. Review status: criteria provided, single submitter. Criteria: ACMG Guidelines, 2015. Collection method: clinical testing. Allele origin: germline.

GeneDx
Classification: Uncertain significance. Last evaluated: 2022-10-19. Review status: criteria provided, single submitter. Criteria: GeneDx Variant Classification Process June 2021. Collection method: clinical testing. Allele origin: germline. Affected: yes.
Comment: In silico analysis supports that this missense variant does not alter protein structure/function; Has not been previously published as pathogenic or benign to our knowledge

Institute of Human Genetics, Univ. Regensburg, Univ. Regensburg
Classification: Uncertain significance for Retinal dystrophy. Last evaluated: 2013-01-01. Review status: no assertion criteria provided. Criteria: ACMG Guidelines, 2015. Collection method: clinical testing. Allele origin: germline. Affected: yes. Not counted in ClinVar's aggregate classification.

NM_206933.4(USH2A):c.11066G>A (p.Arg3689Gln)

Gene: USH2A (usherin; minus strand). Cytogenetic location: 1q41.
Variant type: single nucleotide variant.
Coding change: c.11066G>A on transcript NM_206933.4 (MANE Select); coding-DNA position 11066, G replaced by A.
Protein change: p.Arg3689Gln; replaces arginine 3689 with glutamine.
Molecular consequence: missense variant.
Genome position (GRCh38, 1-based): chr1:215,759,825, C>T on the plus strand (G>A on the coding strand, the complement: USH2A is on the minus strand). VCF-style: chr1-215759825-C-T. GRCh37 (hg19) VCF-style: chr1-215933167-C-T.
Other names: short protein forms R3689Q.
Identifiers: ClinVar variation 2499919 (VCV002499919.3), dbSNP rs757483800, ClinGen allele CA1393820.
Genomic context (GRCh38, chr1:215,759,825, plus strand): 5'-TTGGGCTTTTCTGGCAGACTCCAATATAATTCCACTGTTGTAGAATTGATGATAATGTGT[C>T]GAGGTGTCACCCAAACTCCTGGCAAGAATAACGCAATGAGGTTTTATTGTTAGGAGAAAA-3'
Protein context (NP_996816.3, residues 3679-3699): AAPEGVWVTP[Arg3689Gln]HIIINSTTVE